The following is an entry in ClinVar:

ClinVar aggregate classification (germline): Uncertain significance (1 of 4 stars; one submission).

Conditions:
Baller-Gerold syndrome (BGS). Also called: CRANIOSYNOSTOSIS WITH RADIAL DEFECTS. Identifiers: Orphanet 1225, MedGen C0265308, MONDO:0009039, OMIM 218600.

gnomAD v4.1: 1 of 1,612,508 alleles (0.000062%); highest among the groups gnomAD compares: Admixed American, 0.0017%; no homozygotes.

Submission:

Labcorp Genetics (formerly Invitae), Labcorp
Classification: Uncertain significance for Baller-Gerold syndrome. Last evaluated: 2021-04-27. Review status: criteria provided, single submitter. Criteria: Invitae Variant Classification Sherloc (09022015). Collection method: clinical testing. Allele origin: germline.
Comment: In summary, the available evidence is currently insufficient to determine the role of this variant in disease. Therefore, it has been classified as a Variant of Uncertain Significance. Experimental studies and prediction algorithms are not available or were not evaluated, and the functional significance of this variant is currently unknown. This variant has not been reported in the literature in individuals with RECQL4-related conditions. This variant is not present in population databases (ExAC no frequency). This sequence change replaces leucine with proline at codon 959 of the RECQL4 protein (p.Leu959Pro). The leucine residue is highly conserved and there is a moderate physicochemical difference between leucine and proline.

NM_004260.4(RECQL4):c.2876T>C (p.Leu959Pro)

Gene: RECQL4 (RecQ like helicase 4; minus strand). Cytogenetic location: 8q24.3.
Variant type: single nucleotide variant.
Coding change: c.2876T>C on transcript NM_004260.4 (MANE Select); coding-DNA position 2876, T replaced by C.
Protein change: p.Leu959Pro; replaces leucine 959 with proline.
Molecular consequence: missense variant.
Genome position (GRCh38, 1-based): chr8:144,512,651, A>G on the plus strand (T>C on the coding strand, the complement: RECQL4 is on the minus strand). VCF-style: chr8-144512651-A-G. GRCh37 (hg19) VCF-style: chr8-145738034-A-G.
Other names: short protein forms L959P.
Identifiers: ClinVar variation 1478033 (VCV001478033.6), dbSNP rs1554897159, ClinGen allele CA372673843.